The following is an entry in ClinVar:

NM_004360.5(CDH1):c.1899G>A (p.Gly633=)

Gene: CDH1 (cadherin 1; plus strand). Cytogenetic location: 16q22.1.
Variant type: single nucleotide variant.
Coding change: c.1899G>A on transcript NM_004360.5 (MANE Select); coding-DNA position 1899, G replaced by A.
Protein change: p.Gly633=; no amino-acid change (glycine 633 retained).
Molecular consequence: synonymous variant. On other transcripts: 5 prime UTR variant (1).
Genome position (GRCh38, 1-based): chr16:68,822,188, G>A. VCF-style: chr16-68822188-G-A. GRCh37 (hg19) VCF-style: chr16-68856091-G-A.
Other names: c.1716G>A, p.Gly572= (NM_001317184.2); c.351G>A, p.Gly117= (NM_001317185.2); c.-67G>A (NM_001317186.2).
Identifiers: ClinVar variation 3378428 (VCV003378428.1).

ClinVar aggregate classification (germline): Benign (1 of 4 stars; one submission).

Conditions:
Hereditary diffuse gastric adenocarcinoma (HDGC). Also called: DIFFUSE GASTRIC AND LOBULAR BREAST CANCER SYNDROME. Identifiers: Orphanet 26106, MedGen C1708349, MONDO:0007648, OMIM 137215.

Submission:

Myriad Genetics, Inc.
Classification: Benign for Hereditary diffuse gastric adenocarcinoma. Last evaluated: 2024-09-20. Review status: criteria provided, single submitter. Criteria: Myriad Autosomal Dominant, Autosomal Recessive and X-Linked Classification Criteria (2023). Collection method: clinical testing. Allele origin: unknown.
Comment: This variant is considered benign. This variant is a silent/synonymous amino acid change and it is not expected to impact splicing.